The following is an entry in ClinVar:

ClinVar aggregate classification (germline): Uncertain significance (1 of 4 stars; one submission).

Conditions:
Pancreatic adenocarcinoma. Identifiers: MedGen C0281361, MONDO:0006047, HP:0006725.

Allele frequency attached by ClinVar (database versions not stated): gnomAD exomes below 0.00001; TOPMed below 0.00001.
gnomAD v4.1: 2 of 1,498,778 alleles (0.00013%); highest among the groups gnomAD compares: South Asian, 0.0012%; no homozygotes.

Submission:

Labcorp Genetics (formerly Invitae), Labcorp
Classification: Uncertain significance for Pancreatic adenocarcinoma. Last evaluated: 2022-01-27. Review status: criteria provided, single submitter. Criteria: Invitae Variant Classification Sherloc (09022015). Collection method: clinical testing. Allele origin: germline.
Comment: This sequence change replaces serine, which is neutral and polar, with phenylalanine, which is neutral and non-polar, at codon 15 of the PALLD protein (p.Ser15Phe). This variant is not present in population databases (gnomAD no frequency). In summary, the available evidence is currently insufficient to determine the role of this variant in disease. Therefore, it has been classified as a Variant of Uncertain Significance. Algorithms developed to predict the effect of missense changes on protein structure and function are either unavailable or do not agree on the potential impact of this missense change (SIFT: "Tolerated"; PolyPhen-2: "Possibly Damaging"; Align-GVGD: "Class C15"). ClinVar contains an entry for this variant (Variation ID: 863342). This variant has not been reported in the literature in individuals affected with PALLD-related conditions.

NM_001166108.2(PALLD):c.1965-12987C>T

Gene: PALLD (palladin, cytoskeletal associated protein; plus strand). Cytogenetic location: 4q32.3.
Variant type: single nucleotide variant.
Coding change: c.1965-12987C>T on transcript NM_001166108.2 (MANE Select); 12987 bases into the intron before coding-DNA position 1965, C replaced by T.
Molecular consequence: intron variant. On other transcripts: missense variant (1).
Genome position (GRCh38, 1-based): chr4:168,877,935, C>T. VCF-style: chr4-168877935-C-T. GRCh37 (hg19) VCF-style: chr4-169799086-C-T.
Other names: c.44C>T, p.Ser15Phe (NM_001166110.2); c.1965-12987C>T (NM_016081.4); c.819-12987C>T (NM_001166109.2); c.-157-12987C>T (NM_001367570.1, NM_001367568.1, NM_001367567.1 and 1 more transcripts); short protein forms S15F.
Identifiers: ClinVar variation 863342 (VCV000863342.7), dbSNP rs1751999027, ClinGen allele CA358794775.